The following is an entry in ClinVar:

ClinVar aggregate classification (germline): Conflicting classifications of pathogenicity. Review status: criteria provided, conflicting classifications (1 of 4 stars). 4 submissions from 4 submitters: Uncertain significance (1); Likely benign (2). 1 of the submissions does not count toward it. Last evaluated 2025-08-24.

Conditions:
Melnick-Fraser syndrome (BOR). Also called: Branchiootorenal syndrome; Branchio-oto-renal syndrome; Branchiootorenal Syndrome (BORS). Identifiers: Orphanet 107, MedGen C0265234, MONDO:0007029.
EYA1-related disorder. Also called: EYA1-related condition.
Inborn genetic diseases. Identifiers: MedGen C0950123, MeSH D030342.

Allele frequency attached by ClinVar (database versions not stated): gnomAD exomes 0.00003 and 0.00013; ExAC 0.00014; 1000 Genomes Project 30x 0.00016; 1000 Genomes Project 0.00020; ESP Exome Variant Server 0.00031; gnomAD 0.00041 and 0.00042; TOPMed 0.00052.
gnomAD v4.1: 113 of 1,614,160 alleles (0.007%); highest among the groups gnomAD compares: African/African-American, 0.13%; 1 homozygote.

Submissions (4):

Labcorp Genetics (formerly Invitae), Labcorp
Classification: Likely benign for Melnick-Fraser syndrome. Last evaluated: 2025-08-24. Review status: criteria provided, single submitter. Criteria: Invitae Variant Classification Sherloc (09022015). Collection method: clinical testing. Allele origin: germline.

Ambry Genetics
Classification: Uncertain significance for Inborn genetic diseases. Last evaluated: 2025-04-16. Review status: criteria provided, single submitter. Criteria: Ambry Variant Classification Scheme 2023. Collection method: clinical testing. Allele origin: germline.

GeneDx
Classification: Likely benign. Last evaluated: 2021-01-05. Review status: criteria provided, single submitter. Criteria: GeneDx Variant Classification Process June 2021. Collection method: clinical testing. Allele origin: germline. Affected: yes.

PreventionGenetics, part of Exact Sciences
Classification: Likely benign for EYA1-related condition. Last evaluated: 2022-10-26. Review status: no assertion criteria provided. Collection method: clinical testing. Allele origin: germline. Not counted in ClinVar's aggregate classification.
Comment: This variant is classified as likely benign based on ACMG/AMP sequence variant interpretation guidelines (Richards et al. 2015 PMID: 25741868, with internal and published modifications).

NM_000503.6(EYA1):c.884T>C (p.Leu295Ser)

Gene: EYA1 (EYA transcriptional coactivator and phosphatase 1; minus strand). Cytogenetic location: 8q13.3.
Variant type: single nucleotide variant.
Coding change: c.884T>C on transcript NM_000503.6 (MANE Select); coding-DNA position 884, T replaced by C.
Protein change: p.Leu295Ser; replaces leucine 295 with serine.
Molecular consequence: missense variant.
Genome position (GRCh38, 1-based): chr8:71,271,840, A>G on the plus strand (T>C on the coding strand, the complement: EYA1 is on the minus strand). VCF-style: chr8-71271840-A-G. GRCh37 (hg19) VCF-style: chr8-72184075-A-G.
Other names: c.866T>C, p.Leu289Ser (NM_001288574.2); c.518T>C, p.Leu173Ser (NM_001288575.2); c.971T>C, p.Leu324Ser (NM_001370333.1); c.884T>C, p.Leu295Ser (NM_001370334.1, NM_001370335.1, NM_172058.4); c.953T>C, p.Leu318Ser (NM_001370336.1); c.956T>C, p.Leu319Ser (NM_172059.5); c.884T>C (NM_172058.3); short protein forms L318S, L295S, L319S, L324S, L173S, L289S.
Identifiers: ClinVar variation 788870 (VCV000788870.17), dbSNP rs146687496, ClinGen allele CA4779633.